The following is an entry in ClinVar:

NM_014009.4(FOXP3):c.437G>A (p.Arg146Gln)

Gene: FOXP3 (forkhead box P3; minus strand). Cytogenetic location: Xp11.23.
Variant type: single nucleotide variant.
Coding change: c.437G>A on transcript NM_014009.4 (MANE Select); coding-DNA position 437, G replaced by A.
Protein change: p.Arg146Gln; replaces arginine 146 with glutamine.
Molecular consequence: missense variant.
Genome position (GRCh38, 1-based): chrX:49,257,444, C>T on the plus strand (G>A on the coding strand, the complement: FOXP3 is on the minus strand). VCF-style: chrX-49257444-C-T. GRCh37 (hg19) VCF-style: chrX-49113901-C-T.
Other names: c.332G>A, p.Arg111Gln (NM_001114377.2); short protein forms R111Q, R146Q.
Identifiers: ClinVar variation 1056972 (VCV001056972.9), dbSNP rs1557116525, ClinGen allele CA412952771.

ClinVar aggregate classification (germline): Uncertain significance (1 of 4 stars; one submission).

Conditions:
Insulin-dependent diabetes mellitus secretory diarrhea syndrome (IPEX). Also called: Immunodysregulation, polyendocrinopathy, and enteropathy, X-linked; X-Linked Autoimmunity-Allergic Dysregulation Syndrome; Immune dysregulation-polyendocrinopathy-enteropathy-X-linked syndrome; IMMUNODEFICIENCY, POLYENDOCRINOPATHY, AND ENTEROPATHY, X-LINKED; DIABETES MELLITUS, CONGENITAL INSULIN-DEPENDENT, WITH FATAL SECRETORY DIARRHEA; DIARRHEA, POLYENDOCRINOPATHY, FATAL INFECTION SYNDROME, X-LINKED. Identifiers: Orphanet 37042, MedGen C0342288, MONDO:0010580, OMIM 304790. Disease mechanism: loss of function.

Allele frequency attached by ClinVar (database versions not stated): TOPMed below 0.00001; gnomAD exomes 0.00001 and 0.00002; gnomAD 0.00002.
gnomAD v4.1: 18 of 1,139,186 alleles (0.0016%); highest among the groups gnomAD compares: Middle Eastern, 0.057%; no homozygotes.

Submission:

Labcorp Genetics (formerly Invitae), Labcorp
Classification: Uncertain significance for Insulin-dependent diabetes mellitus secretory diarrhea syndrome. Last evaluated: 2020-01-27. Review status: criteria provided, single submitter. Criteria: Invitae Variant Classification Sherloc (09022015). Collection method: clinical testing. Allele origin: germline.
Comment: Algorithms developed to predict the effect of missense changes on protein structure and function are either unavailable or do not agree on the potential impact of this missense change (SIFT: "Tolerated"; PolyPhen-2: "Probably Damaging"; Align-GVGD: "Class C0"). In summary, the available evidence is currently insufficient to determine the role of this variant in disease. Therefore, it has been classified as a Variant of Uncertain Significance. This variant has not been reported in the literature in individuals with FOXP3-related conditions. This variant is not present in population databases (ExAC no frequency). This sequence change replaces arginine with glutamine at codon 146 of the FOXP3 protein (p.Arg146Gln). The arginine residue is moderately conserved and there is a small physicochemical difference between arginine and glutamine.